The following is an entry in ClinVar:

ClinVar aggregate classification (germline): Likely pathogenic (1 of 4 stars; one submission).

Conditions:
PAX3-related disorder. Also called: PAX3-related condition.

Submission:

PreventionGenetics, part of Exact Sciences
Classification: Likely pathogenic for PAX3-related condition. Last evaluated: 2023-05-16. Review status: criteria provided, single submitter. Criteria: ACMG Guidelines, 2015. Collection method: clinical testing. Allele origin: germline.
Comment: The PAX3 c.994C>T variant is predicted to result in premature protein termination (p.Gln332*). To our knowledge, this variant has not been reported in the literature or in a large population database, indicating this variant is rare. Nonsense variants in PAX3 are expected to be pathogenic. This variant is interpreted as likely pathogenic.

NM_181458.4(PAX3):c.994C>T (p.Gln332Ter)

Genes: PAX3 (paired box 3; minus strand), LOC126806529 (CDK7 strongly-dependent group 2 enhancer GRCh37_chr2:223084735-223085934; plus strand). Cytogenetic location: 2q36.1.
Variant type: single nucleotide variant.
Coding change: c.994C>T on transcript NM_181458.4 (MANE Select); coding-DNA position 994, C replaced by T.
Protein change: p.Gln332Ter; replaces glutamine 332 with a stop codon.
Molecular consequence: nonsense.
Genome position (GRCh38, 1-based): chr2:222,220,319, G>A on the plus strand (C>T on the coding strand, the complement: PAX3 is on the minus strand). VCF-style: chr2-222220319-G-A. GRCh37 (hg19) VCF-style: chr2-223085038-G-A.
Other names: c.991C>T, p.Gln331Ter (NM_001127366.3); c.994C>T, p.Gln332Ter (NM_181457.4, NM_181459.4, NM_181460.4 and 1 more transcripts); short protein forms Q331*, Q332*.
Identifiers: ClinVar variation 2633055 (VCV002633055.1), dbSNP rs2469249189, ClinGen allele CA351116331.